The following is an entry in ClinVar:

ClinVar aggregate classification (germline): Uncertain significance. Review status: criteria provided, multiple submitters, no conflicts (2 of 4 stars). 2 submissions from 2 submitters: Uncertain significance (2). Last evaluated 2025-05-22.

Conditions:
Neuropathy, hereditary sensory and autonomic, type 2A (HSAN2A). Also called: MORVAN DISEASE; NEUROPATHY, CONGENITAL SENSORY; NEUROPATHY, HEREDITARY SENSORY RADICULAR, AUTOSOMAL RECESSIVE; NEUROPATHY, HEREDITARY SENSORY, TYPE IIA; NEUROPATHY, PROGRESSIVE SENSORY, OF CHILDREN; ACROOSTEOLYSIS, GIACCAI TYPE. Identifiers: Orphanet 970, MedGen C2752089, MONDO:0024309, OMIM 201300.
Generalized epilepsy with febrile seizures plus, type 7 (GEFSP7). Also called: GEFS+, TYPE 7. Identifiers: Orphanet 36387, MedGen C2751778, MONDO:0013470, OMIM 613863.

Submissions (2):

GeneDx
Classification: Uncertain significance. Last evaluated: 2025-05-22. Review status: criteria provided, single submitter. Criteria: GeneDx Variant Classification Process June 2021. Collection method: clinical testing. Allele origin: germline. Affected: yes.
Comment: Not observed at significant frequency in large population cohorts (gnomAD); In silico analysis supports that this missense variant has a deleterious effect on protein structure/function; Has not been previously published as pathogenic or benign to our knowledge

Labcorp Genetics (formerly Invitae), Labcorp
Classification: Uncertain significance for Neuropathy, hereditary sensory and autonomic, type 2A; Generalized epilepsy with febrile seizures plus, type 7. Last evaluated: 2023-06-10. Review status: criteria provided, single submitter. Criteria: Invitae Variant Classification Sherloc (09022015). Collection method: clinical testing. Allele origin: germline.
Comment: This variant is not present in population databases (gnomAD no frequency). This sequence change replaces aspartic acid, which is acidic and polar, with glutamic acid, which is acidic and polar, at codon 971 of the SCN9A protein (p.Asp971Glu). This variant has not been reported in the literature in individuals affected with SCN9A-related conditions. Advanced modeling of protein sequence and biophysical properties (such as structural, functional, and spatial information, amino acid conservation, physicochemical variation, residue mobility, and thermodynamic stability) performed at Invitae indicates that this missense variant is not expected to disrupt SCN9A protein function. In summary, the available evidence is currently insufficient to determine the role of this variant in disease. Therefore, it has been classified as a Variant of Uncertain Significance.

NM_001365536.1(SCN9A):c.2946C>A (p.Asp982Glu)

Genes: SCN9A (sodium voltage-gated channel alpha subunit 9; minus strand), SCN1A-AS1 (SCN1A and SCN9A antisense RNA 1; plus strand). Cytogenetic location: 2q24.3.
Variant type: single nucleotide variant.
Coding change: c.2946C>A on transcript NM_001365536.1 (MANE Select); coding-DNA position 2946, C replaced by A.
Protein change: p.Asp982Glu; replaces aspartic acid 982 with glutamic acid.
Molecular consequence: missense variant.
Genome position (GRCh38, 1-based): chr2:166,272,804, G>T on the plus strand (C>A on the coding strand, the complement: SCN9A is on the minus strand). VCF-style: chr2-166272804-G-T. GRCh37 (hg19) VCF-style: chr2-167129314-G-T.
Other names: c.2913C>A, p.Asp971Glu (NM_002977.4); short protein forms D971E, D982E.
Identifiers: ClinVar variation 2926729 (VCV002926729.4), dbSNP rs1697062052, ClinGen allele CA349074769.